The following is an entry in ClinVar:

NM_003200.5(TCF3):c.1897C>T (p.Pro633Ser)

Gene: TCF3 (transcription factor 3; minus strand). Cytogenetic location: 19p13.3.
Variant type: single nucleotide variant.
Coding change: c.1897C>T on transcript NM_003200.5 (MANE Select); coding-DNA position 1897, C replaced by T.
Protein change: p.Pro633Ser; replaces proline 633 with serine.
Molecular consequence: missense variant.
Genome position (GRCh38, 1-based): chr19:1,611,775, G>A on the plus strand (C>T on the coding strand, the complement: TCF3 is on the minus strand). VCF-style: chr19-1611775-G-A. GRCh37 (hg19) VCF-style: chr19-1611774-G-A.
Other names: c.1888C>T, p.Pro630Ser (NM_001136139.4, NM_001351779.2); c.1894C>T, p.Pro632Ser (NM_001351778.2); short protein forms P632S, P630S, P633S.
Identifiers: ClinVar variation 3661901 (VCV003661901.2).

ClinVar aggregate classification (germline): Uncertain significance (1 of 4 stars; one submission).

Submission:

Labcorp Genetics (formerly Invitae), Labcorp
Classification: Uncertain significance. Last evaluated: 2024-08-10. Review status: criteria provided, single submitter. Criteria: Invitae Variant Classification Sherloc (09022015). Collection method: clinical testing. Allele origin: germline.
Comment: This sequence change replaces proline, which is neutral and non-polar, with serine, which is neutral and polar, at codon 633 of the TCF3 protein (p.Pro633Ser). This variant is present in population databases (rs755623369, gnomAD 0.006%). This variant has not been reported in the literature in individuals affected with TCF3-related conditions. Advanced modeling of protein sequence and biophysical properties (such as structural, functional, and spatial information, amino acid conservation, physicochemical variation, residue mobility, and thermodynamic stability) performed at Invitae indicates that this missense variant is not expected to disrupt TCF3 protein function with a negative predictive value of 80%. In summary, the available evidence is currently insufficient to determine the role of this variant in disease. Therefore, it has been classified as a Variant of Uncertain Significance.